The following is an entry in ClinVar:

NM_005850.5(SF3B4):c.719del (p.Pro240fs)

Gene: SF3B4 (splicing factor 3b subunit 4; minus strand). Cytogenetic location: 1q21.2.
Variant type: Deletion.
Coding change: c.719del on transcript NM_005850.5 (MANE Select); coding-DNA position 719, one base deleted (C; older notation c.719delC).
Protein change: p.Pro240fs; shifts the reading frame from proline 240.
Molecular consequence: frameshift variant.
Genome position (GRCh38, 1-based): chr1:149,926,030, G deleted on the plus strand (C on the coding strand, the reverse complement: SF3B4 is on the minus strand); the first of 2 consecutive G bases (chr1:149,926,030-149,926,031); deleting either gives the same sequence. VCF-style (leftmost placement, unchanged base first): chr1-149926029-AG-A. GRCh37 (hg19) VCF-style: chr1-149897921-AG-A.
Other names: short protein forms P240fs.
Identifiers: ClinVar variation 4294511 (VCV004294511.1).

ClinVar aggregate classification (germline): Likely pathogenic (1 of 4 stars; one submission).

Conditions:
Nager syndrome (AFD1). Also called: Acrofacial Dysostosis 1, Nager Type; MANDIBULOFACIAL DYSOSTOSIS, TREACHER COLLINS TYPE, WITH LIMB ANOMALIES; Nager acrofacial dysostosis; Nager acrofacial dysostosis syndrome. Identifiers: Orphanet 245, MedGen C0265245, MONDO:0007943, OMIM 154400.

Submission:

Molecular Genetics Department, Kulakov National Medical Research Center for Obstetrics, Gynecology and Perinatology
Classification: Likely pathogenic for Nager syndrome. Review status: criteria provided, single submitter. Criteria: ACMG Guidelines, 2015. Collection method: clinical testing. Allele origin: de novo. Affected: yes. Observed: 1 variant allele.
Comment: A previously undescribed heterozygous nucleotide variant creates a frameshift p.Pro240LeufsTer80 in the SF3B4 gene. Heterozygous variants are reported in patients with acrofacial dysostosis 1, nager type, 154400. The variant is not present in population database (gnomAD no frequency). Sanger sequencing revealed that the variant arose de novo (parentage confirmed). In summary, the currently available evidence indicates that the variant is pathogenic, but additional data are needed to prove that conclusively. Therefore, this variant has been classified as likely pathogenic.